The following is an entry in ClinVar:

NC_000002.11:g.(?_50779705)_(50850773_?)del

Gene: NRXN1 (neurexin 1; minus strand). Cytogenetic location: 2p16.3.
Variant type: Deletion.
Identifiers: ClinVar variation 2423809 (VCV002423809.4).

ClinVar aggregate classification (germline): Uncertain significance (1 of 4 stars; one submission).

Conditions:
Pitt-Hopkins-like syndrome 2 (PTHSL2). Identifiers: Orphanet 221150, Orphanet 600663, MedGen C3280479, MONDO:0013690, OMIM 614325.

Submission:

Labcorp Genetics (formerly Invitae), Labcorp
Classification: Uncertain significance for Pitt-Hopkins-like syndrome 2. Last evaluated: 2023-04-09. Review status: criteria provided, single submitter. Criteria: Invitae Variant Classification Sherloc (09022015). Collection method: clinical testing. Allele origin: germline.
Comment: In summary, the available evidence is currently insufficient to determine the role of this variant in disease. Therefore, it has been classified as a Variant of Uncertain Significance. Experimental studies and prediction algorithms are not available or were not evaluated, and the functional significance of this variant is currently unknown. This variant has not been reported in the literature in individuals affected with NRXN1-related conditions. This variant is a gross deletion of the genomic region encompassing exon(s) 7-10 of the NRXN1 gene. This variant would be expected to be in-frame, preserving the integrity of the reading frame.